The following is an entry in ClinVar:

NM_014336.5(AIPL1):c.570G>T (p.Lys190Asn)

Gene: AIPL1 (AIP like 1 HSP90 co-chaperone; minus strand). Cytogenetic location: 17p13.2.
Variant type: single nucleotide variant.
Coding change: c.570G>T on transcript NM_014336.5 (MANE Select); coding-DNA position 570, G replaced by T.
Protein change: p.Lys190Asn; replaces lysine 190 with asparagine.
Molecular consequence: missense variant.
Genome position (GRCh38, 1-based): chr17:6,426,953, C>A on the plus strand (G>T on the coding strand, the complement: AIPL1 is on the minus strand). VCF-style: chr17-6426953-C-A. GRCh37 (hg19) VCF-style: chr17-6330273-C-A.
Other names: c.381G>T, p.Lys127Asn (NM_001033054.3); c.390G>T, p.Lys130Asn (NM_001033055.3); c.534G>T, p.Lys178Asn (NM_001285399.3); c.504G>T, p.Lys168Asn (NM_001285400.3); c.570G>T, p.Lys190Asn (NM_001285401.3); c.453G>T, p.Lys151Asn (NM_001285402.2); c.546G>T, p.Lys182Asn (NM_001285403.4); short protein forms K127N, K130N, K151N, K168N, K182N, K178N, K190N.
Identifiers: ClinVar variation 968968 (VCV000968968.7), dbSNP rs199497823, ClinGen allele CA8328468.

ClinVar aggregate classification (germline): Uncertain significance (1 of 4 stars; one submission).

Conditions:
Leber congenital amaurosis 4 (LCA4). Identifiers: MedGen C1858386, MONDO:0011458, OMIM 604393.

Allele frequency attached by ClinVar (database versions not stated): gnomAD 0.00001 and 0.00002; gnomAD exomes 0.00001; TOPMed 0.00001; ExAC 0.00002; 1000 Genomes Project 30x 0.00016; 1000 Genomes Project 0.00020.
gnomAD v4.1: 46 of 1,614,234 alleles (0.0028%); highest among the groups gnomAD compares: East Asian, 0.1%; no homozygotes.

Submission:

Labcorp Genetics (formerly Invitae), Labcorp
Classification: Uncertain significance for Leber congenital amaurosis 4. Last evaluated: 2022-08-23. Review status: criteria provided, single submitter. Criteria: Invitae Variant Classification Sherloc (09022015). Collection method: clinical testing. Allele origin: germline.
Comment: This sequence change replaces lysine, which is basic and polar, with asparagine, which is neutral and polar, at codon 190 of the AIPL1 protein (p.Lys190Asn). This variant is present in population databases (rs199497823, gnomAD 0.02%). This variant has not been reported in the literature in individuals affected with AIPL1-related conditions. ClinVar contains an entry for this variant (Variation ID: 968968). Algorithms developed to predict the effect of missense changes on protein structure and function are either unavailable or do not agree on the potential impact of this missense change (SIFT: "Tolerated"; PolyPhen-2: "Probably Damaging"; Align-GVGD: "Class C15"). In summary, the available evidence is currently insufficient to determine the role of this variant in disease. Therefore, it has been classified as a Variant of Uncertain Significance.